The following is an entry in ClinVar:

NM_057175.5(NAA15):c.2162G>C (p.Cys721Ser)

Gene: NAA15 (N-alpha-acetyltransferase 15, NatA auxiliary subunit; plus strand). Cytogenetic location: 4q31.1.
Variant type: single nucleotide variant.
Coding change: c.2162G>C on transcript NM_057175.5 (MANE Select); coding-DNA position 2162, G replaced by C.
Protein change: p.Cys721Ser; replaces cysteine 721 with serine.
Molecular consequence: missense variant.
Genome position (GRCh38, 1-based): chr4:139,384,838, G>C. VCF-style: chr4-139384838-G-C. GRCh37 (hg19) VCF-style: chr4-140305992-G-C.
Other names: c.2159G>C, p.Cys720Ser (NM_001410842.1); short protein forms C720S, C721S.
Identifiers: ClinVar variation 3683324 (VCV003683324.2).
Genomic context (GRCh38, chr4:139,384,838, plus strand): 5'-TGTAAACTTTATCAGAGTATTCAACTGCTAAGATTTTATTTTTAATTTATTCAGCAGTGT[G>C]TGAAAGTAAAGATTTATCTGATACAGTTAGAACAGTATTAAAACAAGAAATGAATCGTCT-3'
Protein context (NP_476516.1, residues 711-731): CMIRLFNTAV[Cys721Ser]ESKDLSDTVR

ClinVar aggregate classification (germline): Uncertain significance (1 of 4 stars; one submission).

gnomAD v4.1: 4 of 1,442,262 alleles (0.00028%); highest among the groups gnomAD compares: Non-Finnish European, 0.00037%; no homozygotes.

Submission:

Labcorp Genetics (formerly Invitae), Labcorp
Classification: Uncertain significance. Last evaluated: 2024-12-02. Review status: criteria provided, single submitter. Criteria: Invitae Variant Classification Sherloc (09022015). Collection method: clinical testing. Allele origin: germline.
Comment: This sequence change replaces cysteine, which is neutral and slightly polar, with serine, which is neutral and polar, at codon 721 of the NAA15 protein (p.Cys721Ser). This variant is not present in population databases (gnomAD no frequency). This variant has not been reported in the literature in individuals affected with NAA15-related conditions. An algorithm developed to predict the effect of missense changes on protein structure and function outputs the following: PolyPhen-2: "Benign". The serine amino acid residue is found in multiple mammalian species, which suggests that this missense change does not adversely affect protein function. In summary, the available evidence is currently insufficient to determine the role of this variant in disease. Therefore, it has been classified as a Variant of Uncertain Significance.